The following is an entry in ClinVar:

ClinVar aggregate classification (germline): Pathogenic (1 of 4 stars; one submission).

Conditions:
Encephalopathy, acute, infection-induced (herpes-specific), susceptibility to, 1. Also called: Herpes simplex encephalitis, susceptibility to, 1. Identifiers: Orphanet 1930, MedGen C2750180, MONDO:0024563, OMIM 610551.

Allele frequency attached by ClinVar (database versions not stated): gnomAD 0.00001; TOPMed 0.00001.

Submission:

Labcorp Genetics (formerly Invitae), Labcorp
Classification: Pathogenic for Encephalopathy, acute, infection-induced (herpes-specific), susceptibility to, 1. Last evaluated: 2022-09-05. Review status: criteria provided, single submitter. Criteria: Invitae Variant Classification Sherloc (09022015). Collection method: clinical testing. Allele origin: germline.
Comment: This sequence change creates a premature translational stop signal (p.Ile223Thrfs*7) in the UNC93B1 gene. It is expected to result in an absent or disrupted protein product. Loss-of-function variants in UNC93B1 are known to be pathogenic (PMID: 16973841). This variant is not present in population databases (gnomAD no frequency). This variant has not been reported in the literature in individuals affected with UNC93B1-related conditions. For these reasons, this variant has been classified as Pathogenic.

Literature cited by the submitters: PubMed 16973841.

NM_030930.4(UNC93B1):c.668_671del (p.Ile223fs)

Gene: UNC93B1 (unc-93B1 regulator of TLR signaling; minus strand). Cytogenetic location: 11q13.2.
Variant type: Deletion.
Coding change: c.668_671del on transcript NM_030930.4 (MANE Select); coding-DNA positions 668 to 671, 4 bases deleted (TCTT; older notation c.668_671delTCTT).
Protein change: p.Ile223fs; shifts the reading frame from isoleucine 223.
Molecular consequence: frameshift variant.
Genome position (GRCh38, 1-based): chr11:67,999,189-67,999,192, AAGA deleted on the plus strand (TCTT on the coding strand, the reverse complement: UNC93B1 is on the minus strand). VCF-style (leftmost placement, unchanged base first): chr11-67999188-GAAGA-G. GRCh37 (hg19) VCF-style: chr11-67766658-GAAGA-G.
Other names: short protein forms I223fs.
Identifiers: ClinVar variation 2027491 (VCV002027491.4), dbSNP rs1167385983, ClinGen allele CA679568530.